The following is an entry in ClinVar:

ClinVar aggregate classification (germline): Likely pathogenic (1 of 4 stars; one submission).

Conditions:
Megaconial type congenital muscular dystrophy (MDCMC). Also called: CHKB-Related Muscle Diseases; CHKB-Related Muscular Dystrophy; MUSCULAR DYSTROPHY, CONGENITAL, WITH MITOCHONDRIAL STRUCTURAL ABNORMALITIES. Identifiers: Orphanet 280671, MedGen C1865233, MONDO:0011246, OMIM 602541.

Submission:

Juno Genomics, Hangzhou Juno Genomics, Inc
Classification: Likely pathogenic for Megaconial type congenital muscular dystrophy. Review status: criteria provided, single submitter. Criteria: ACMG Guidelines, 2015. Collection method: clinical testing. Allele origin: germline.
Comment: Absent from controls (or at extremely low frequency if recessive) in Genome Aggregation Database.;Null variant in a gene where loss of function (LOF) is a known mechanism of disease.

NM_005198.5(CHKB):c.102del (p.Lys34fs)

Genes: CHKB (choline kinase beta; minus strand), CHKB-CPT1B (CHKB-CPT1B readthrough (NMD candidate); minus strand). Cytogenetic location: 22q13.33.
Variant type: Deletion.
Coding change: c.102del on transcript NM_005198.5 (MANE Select); coding-DNA position 102, one base deleted (A; older notation c.102delA).
Protein change: p.Lys34fs; shifts the reading frame from lysine 34.
Molecular consequence: frameshift variant. On other transcripts: non-coding transcript variant (1).
Genome position (GRCh38, 1-based): chr22:50,582,680, T deleted on the plus strand (A on the coding strand, the reverse complement: CHKB is on the minus strand); the first of 4 consecutive T bases (chr22:50,582,680-50,582,683); deleting any one gives the same sequence. VCF-style (leftmost placement, unchanged base first): chr22-50582679-GT-G. GRCh37 (hg19) VCF-style: chr22-51021108-GT-G.
Other names: short protein forms K34fs.
Identifiers: ClinVar variation 5018810 (VCV005018810.2).